The following is an entry in ClinVar:

ClinVar aggregate classification (germline): Likely pathogenic (1 of 4 stars; one submission).

Conditions:
CILK1-related disorder. Also called: CILK1-related condition.

Submission:

PreventionGenetics, part of Exact Sciences
Classification: Likely pathogenic for CILK1-related condition. Last evaluated: 2026-05-02. Review status: criteria provided, single submitter. Criteria: ACMG Guidelines, 2015. Collection method: clinical testing. Allele origin: germline.
Comment: The CILK1 c.271A>T variant is predicted to result in premature protein termination (p.Lys91*). To our knowledge, this variant has not been reported in the literature or in a large population database (gnomAD), indicating this variant is rare. Nonsense variants in CILK1 are expected to be pathogenic. This variant is interpreted as likely pathogenic for autosomal recessive CILK1-related disorders.

NM_014920.5(CILK1):c.271A>T (p.Lys91Ter)

Gene: CILK1 (ciliogenesis associated kinase 1; minus strand). Cytogenetic location: 6p12.1.
Variant type: single nucleotide variant.
Coding change: c.271A>T on transcript NM_014920.5 (MANE Select); coding-DNA position 271, A replaced by T.
Protein change: p.Lys91Ter; replaces lysine 91 with a stop codon.
Molecular consequence: nonsense. On other transcripts: non-coding transcript variant (1).
Genome position (GRCh38, 1-based): chr6:53,032,540, T>A on the plus strand (A>T on the coding strand, the complement: CILK1 is on the minus strand). VCF-style: chr6-53032540-T-A. GRCh37 (hg19) VCF-style: chr6-52897338-T-A.
Other names: c.271A>T, p.Lys91Ter (NM_001375397.1, NM_001375398.1, NM_001375399.1 and 4 more transcripts); short protein forms K91*.
Identifiers: ClinVar variation 4995130 (VCV004995130.1).
Genomic context (GRCh38, chr6:53,032,540, plus strand): 5'-CATCTGCTTTGCCTATTTATTTCTATAATAAGATAATGATGACCAAACTGTACCTCTCTT[T>A]AATGAGCTGGTAAAGATTTTCCTTCATGTACTCGAAGATAAAATAAAGATGATCATTTTC-3'